The following is an entry in ClinVar:

NM_002878.4(RAD51D):c.40GAG[1] (p.Glu15del)

Genes: RAD51D (RAD51 paralog D; minus strand), RAD51L3-RFFL (RAD51L3-RFFL readthrough; minus strand). Cytogenetic location: 17q12.
Variant type: Microsatellite.
Coding change: c.40GAG[1] on transcript NM_002878.4 (MANE Select); one copy of the 3-base unit GAG starting at c.40; the reference has two copies in a row; one copy, 3 bases deleted; also written c.43_45del.
Protein change: p.Glu15del; deletes glutamic acid 15.
Molecular consequence: inframe deletion. On other transcripts: non-coding transcript variant (2).
Genome position (GRCh38, 1-based): chr17:35,119,569-35,119,571, CTC deleted on the plus strand (GAG on the coding strand, the reverse complement: RAD51D is on the minus strand); deleting any 3 consecutive bases within chr17:35,119,569-35,119,574 gives the same sequence; the position shown is the placement nearest the transcript's 3' end. VCF-style (leftmost placement, unchanged base first): chr17-35119568-TCTC-T. GRCh37 (hg19) VCF-style: chr17-33446587-TCTC-T.
Other names: c.43_45del (NM_002878.4); c.40GAG[1], p.Glu15del (NM_001142571.2, NM_133629.3); short protein forms E15del.
Identifiers: ClinVar variation 1036280 (VCV001036280.14), dbSNP rs2091798212, ClinGen allele CA2257352116.

ClinVar aggregate classification (germline): Uncertain significance. Review status: criteria provided, multiple submitters, no conflicts (2 of 4 stars). 3 submissions from 3 submitters: Uncertain significance (3). Last evaluated 2024-10-26.

Conditions:
Hereditary cancer-predisposing syndrome. Also called: Neoplastic Syndromes, Hereditary; Hereditary Cancer Syndrome; Tumor predisposition; Hereditary neoplastic syndrome. Identifiers: Orphanet 140162, MedGen C0027672, MeSH D009386, MONDO:0015356.
Breast-ovarian cancer, familial, susceptibility to, 4. Identifiers: Orphanet 145, MedGen C3280345, MONDO:0013669, OMIM 614291.

Submissions (3):

Ambry Genetics
Classification: Uncertain significance for Hereditary cancer-predisposing syndrome. Last evaluated: 2024-10-26. Review status: criteria provided, single submitter. Criteria: Ambry Variant Classification Scheme 2023. Collection method: clinical testing. Allele origin: germline.
Comment: The c.43_45delGAG variant (also known as p.E15del) is located in coding exon 1 of the RAD51D gene. This variant results from an in-frame GAG deletion at nucleotide positions 43 to 45. This results in the in-frame deletion of a glutamic acid at codon 15. This amino acid position is not well conserved in available vertebrate species. In addition, this alteration is predicted to be deleterious by in silico analysis (Choi Y et al. PLoS ONE. 2012; 7(10):e46688). Since supporting evidence is limited at this time, the clinical significance of this alteration remains unclear.

Labcorp Genetics (formerly Invitae), Labcorp
Classification: Uncertain significance for Breast-ovarian cancer, familial, susceptibility to, 4. Last evaluated: 2024-02-22. Review status: criteria provided, single submitter. Criteria: Invitae Variant Classification Sherloc (09022015). Collection method: clinical testing. Allele origin: germline.
Comment: This variant, c.43_45del, results in the deletion of 1 amino acid(s) of the RAD51D protein (p.Glu15del), but otherwise preserves the integrity of the reading frame. This variant is not present in population databases (gnomAD no frequency). This variant has not been reported in the literature in individuals affected with RAD51D-related conditions. ClinVar contains an entry for this variant (Variation ID: 1036280). Experimental studies and prediction algorithms are not available or were not evaluated, and the functional significance of this variant is currently unknown. In summary, the available evidence is currently insufficient to determine the role of this variant in disease. Therefore, it has been classified as a Variant of Uncertain Significance.

Color Diagnostics, LLC DBA Color Health
Classification: Uncertain significance for Hereditary cancer-predisposing syndrome. Last evaluated: 2021-11-19. Review status: criteria provided, single submitter. Criteria: ACMG Guidelines, 2015. Collection method: clinical testing. Allele origin: germline.
Comment: This variant is an in-frame one amino acid deletion in exon 1 of the RAD51D protein. To our knowledge, functional studies have not been reported for this variant. This variant has not been reported in individuals affected with hereditary cancer in the literature. This variant has not been identified in the general population by the Genome Aggregation Database (gnomAD). The available evidence is insufficient to determine the role of this variant in disease conclusively. Therefore, this variant is classified as a Variant of Uncertain Significance.